The following is an entry in ClinVar:

NM_004415.4(DSP):c.962T>A (p.Val321Asp)

Gene: DSP (desmoplakin; plus strand). Cytogenetic location: 6p24.3.
Variant type: single nucleotide variant.
Coding change: c.962T>A on transcript NM_004415.4 (MANE Select); coding-DNA position 962, T replaced by A.
Protein change: p.Val321Asp; replaces valine 321 with aspartic acid.
Molecular consequence: missense variant.
Genome position (GRCh38, 1-based): chr6:7,566,399, T>A. VCF-style: chr6-7566399-T-A. GRCh37 (hg19) VCF-style: chr6-7566632-T-A.
Other names: c.962T>A, p.Val321Asp (NM_001008844.3, NM_001319034.2, NM_001406591.1); short protein forms V321D.
Identifiers: ClinVar variation 2947760 (VCV002947760.3), dbSNP rs2533876215, ClinGen allele CA362674796.

ClinVar aggregate classification (germline): Uncertain significance (1 of 4 stars; one submission).

Conditions:
Arrhythmogenic cardiomyopathy with wooly hair and keratoderma. Also called: Dilated cardiomyopathy with woolly hair and keratoderma; PALMOPLANTAR KERATODERMA WITH LEFT VENTRICULAR CARDIOMYOPATHY AND WOOLLY HAIR; Carvajal syndrome; Arrhythmogenic cardiomyopathy with woolly hair and keratoderma. Identifiers: Orphanet 65282, MedGen C1854063, MONDO:0011581, OMIM 605676.
Arrhythmogenic right ventricular dysplasia 8 (ARVD8). Also called: Arrhythmogenic Right Ventricular Dysplasia/Cardiomyopathy 8; ARRHYTHMOGENIC RIGHT VENTRICULAR DYSPLASIA, FAMILIAL, 8; ARRHYTHMOGENIC RIGHT VENTRICULAR CARDIOMYOPATHY 8. Identifiers: MedGen C1843896, MONDO:0011831, OMIM 607450.

Submission:

Labcorp Genetics (formerly Invitae), Labcorp
Classification: Uncertain significance for Arrhythmogenic cardiomyopathy with wooly hair and keratoderma; Arrhythmogenic right ventricular dysplasia 8. Last evaluated: 2023-05-14. Review status: criteria provided, single submitter. Criteria: Invitae Variant Classification Sherloc (09022015). Collection method: clinical testing. Allele origin: germline.
Comment: In summary, the available evidence is currently insufficient to determine the role of this variant in disease. Therefore, it has been classified as a Variant of Uncertain Significance. An algorithm developed to predict the effect of missense changes on protein structure and function (PolyPhen-2) suggests that this variant is likely to be disruptive. This variant has not been reported in the literature in individuals affected with DSP-related conditions. This variant is not present in population databases (gnomAD no frequency). This sequence change replaces valine, which is neutral and non-polar, with aspartic acid, which is acidic and polar, at codon 321 of the DSP protein (p.Val321Asp).